The following is an entry in ClinVar:

NM_003742.4(ABCB11):c.234C>T (p.Gly78=)

Gene: ABCB11 (ATP binding cassette subfamily B member 11; minus strand). Cytogenetic location: 2q31.1.
Variant type: single nucleotide variant.
Coding change: c.234C>T on transcript NM_003742.4 (MANE Select); coding-DNA position 234, C replaced by T.
Protein change: p.Gly78=; no amino-acid change (glycine 78 retained).
Molecular consequence: synonymous variant.
Genome position (GRCh38, 1-based): chr2:169,013,427, G>A on the plus strand (C>T on the coding strand, the complement: ABCB11 is on the minus strand). VCF-style: chr2-169013427-G-A. GRCh37 (hg19) VCF-style: chr2-169869937-G-A.
Identifiers: ClinVar variation 4979541 (VCV004979541.1).

ClinVar aggregate classification (germline): Likely benign (1 of 4 stars; one submission).

Conditions:
ABCB11-related disorder. Also called: ABCB11-related condition.

gnomAD v4.1: 33 of 1,613,662 alleles (0.002%); highest among the groups gnomAD compares: Middle Eastern, 0.033%; no homozygotes.

Submission:

PreventionGenetics, part of Exact Sciences
Classification: Likely benign for ABCB11-related condition. Last evaluated: 2024-10-25. Review status: criteria provided, single submitter. Criteria: ACMG Guidelines, 2015. Collection method: clinical testing. Allele origin: germline.
Comment: This variant is classified as likely benign based on ACMG/AMP sequence variant interpretation guidelines (Richards et al. 2015 PMID: 25741868, with internal and published modifications).